The following is an entry in ClinVar:

NM_000093.5(COL5A1):c.3887C>T (p.Pro1296Leu)

Gene: COL5A1 (collagen type V alpha 1 chain; plus strand). Cytogenetic location: 9q34.3.
Variant type: single nucleotide variant.
Coding change: c.3887C>T on transcript NM_000093.5 (MANE Select); coding-DNA position 3887, C replaced by T.
Protein change: p.Pro1296Leu; replaces proline 1296 with leucine.
Molecular consequence: missense variant.
Genome position (GRCh38, 1-based): chr9:134,814,017, C>T. VCF-style: chr9-134814017-C-T. GRCh37 (hg19) VCF-style: chr9-137705863-C-T.
Other names: c.3887C>T (NM_000093.3); c.3887C>T, p.Pro1296Leu (NM_001278074.1); short protein forms P1296L.
Identifiers: ClinVar variation 656235 (VCV000656235.11), dbSNP rs771130127, ClinGen allele CA5320064.

ClinVar aggregate classification (germline): Conflicting classifications of pathogenicity. Review status: criteria provided, conflicting classifications (1 of 4 stars). 2 submissions from 2 submitters: Uncertain significance (1); Benign (1). Last evaluated 2026-01-26.

Conditions:
Ehlers-Danlos syndrome, classic type, 1 (EDSCL1). Also called: EDS I; EHLERS-DANLOS SYNDROME, GRAVIS TYPE; EHLERS-DANLOS SYNDROME, SEVERE CLASSIC TYPE; Ehlers-Danlos Syndrome, Classic Type, COL5A1-Related; Ehlers-Danlos syndrome, type 1. Identifiers: MedGen C0268335, MONDO:0019567, OMIM 130000.
Familial thoracic aortic aneurysm and aortic dissection (TAAD). Also called: Thoracic aortic aneurysms and dissections. Identifiers: Orphanet 91387, MedGen C4707243, MONDO:0019625.

Allele frequency attached by ClinVar (database versions not stated): gnomAD 0.00001 and 0.00003; TOPMed 0.00002; gnomAD exomes 0.00003; ExAC 0.00011.
gnomAD v4.1: 32 of 1,550,722 alleles (0.0021%); highest among the groups gnomAD compares: Middle Eastern, 0.017%; no homozygotes.

Submissions (2):

Labcorp Genetics (formerly Invitae), Labcorp
Classification: Benign for Ehlers-Danlos syndrome, classic type, 1. Last evaluated: 2026-01-26. Review status: criteria provided, single submitter. Criteria: Invitae Variant Classification Sherloc (09022015). Collection method: clinical testing. Allele origin: germline.

Ambry Genetics
Classification: Uncertain significance for Familial thoracic aortic aneurysm and aortic dissection. Last evaluated: 2024-01-23. Review status: criteria provided, single submitter. Criteria: Ambry Variant Classification Scheme 2023. Collection method: clinical testing. Allele origin: germline.
Comment: The p.P1296L variant (also known as c.3887C>T), located in coding exon 49 of the COL5A1 gene, results from a C to T substitution at nucleotide position 3887. The proline at codon 1296 is replaced by leucine, an amino acid with similar properties. This amino acid position is well conserved in available vertebrate species. In addition, the in silico prediction for this alteration is inconclusive. Based on the available evidence, the clinical significance of this alteration remains unclear.